The following is an entry in ClinVar:

NM_002474.3(MYH11):c.4440G>T (p.Glu1480Asp)

Genes: NDE1 (nudE neurodevelopment protein 1; plus strand), MYH11 (myosin heavy chain 11; minus strand). Cytogenetic location: 16p13.11.
Variant type: single nucleotide variant.
Coding change: c.4440G>T on transcript NM_002474.3 (MANE Select); coding-DNA position 4440, G replaced by T.
Protein change: p.Glu1480Asp; replaces glutamic acid 1480 with aspartic acid.
Molecular consequence: missense variant. On other transcripts: intron variant (2).
Genome position (GRCh38, 1-based): chr16:15,721,560, C>A on the plus strand (G>T on the coding strand, the complement: MYH11 is on the minus strand). VCF-style: chr16-15721560-C-A. GRCh37 (hg19) VCF-style: chr16-15815417-C-A.
Other names: c.4461G>T, p.Glu1487Asp (NM_001040113.2, NM_001040114.2); c.4440G>T, p.Glu1480Asp (NM_022844.3); c.948-2631C>A (NM_001143979.2, NM_017668.3); short protein forms E1480D, E1487D.
Identifiers: ClinVar variation 1056773 (VCV001056773.9), dbSNP rs2151210905, ClinGen allele CA394855361.

ClinVar aggregate classification (germline): Uncertain significance (1 of 4 stars; one submission).

Conditions:
Aortic aneurysm, familial thoracic 4 (AAT4). Also called: AORTIC ANEURYSM/AORTIC DISSECTION AND PATENT DUCTUS ARTERIOSUS. Identifiers: MedGen C1851504, MONDO:0007568, OMIM 132900.

Submission:

Labcorp Genetics (formerly Invitae), Labcorp
Classification: Uncertain significance for Aortic aneurysm, familial thoracic 4. Last evaluated: 2020-03-11. Review status: criteria provided, single submitter. Criteria: Invitae Variant Classification Sherloc (09022015). Collection method: clinical testing. Allele origin: germline.
Comment: This sequence change replaces glutamic acid with aspartic acid at codon 1487 of the MYH11 protein (p.Glu1487Asp). The glutamic acid residue is highly conserved and there is a small physicochemical difference between glutamic acid and aspartic acid. This variant is not present in population databases (ExAC no frequency). This variant has not been reported in the literature in individuals with MYH11-related conditions. Algorithms developed to predict the effect of missense changes on protein structure and function are either unavailable or do not agree on the potential impact of this missense change (SIFT: "Deleterious"; PolyPhen-2: "Benign"; Align-GVGD: "Class C0"). In summary, the available evidence is currently insufficient to determine the role of this variant in disease. Therefore, it has been classified as a Variant of Uncertain Significance.